The following is an entry in ClinVar:

NC_000007.14:g.(?_5973389)_(5978706_?)dup

Gene: PMS2 (PMS1 homolog 2, mismatch repair system component; minus strand). Cytogenetic location: 7p22.1.
Variant type: Duplication.
Identifiers: ClinVar variation 832374 (VCV000832374.1).

ClinVar aggregate classification (germline): Uncertain significance (1 of 4 stars; one submission).

Conditions:
Hereditary nonpolyposis colorectal neoplasms. Identifiers: MedGen C0009405, MeSH D003123.

Submission:

Labcorp Genetics (formerly Invitae), Labcorp
Classification: Uncertain significance for Hereditary nonpolyposis colon cancer. Last evaluated: 2019-05-20. Review status: criteria provided, single submitter. Criteria: Invitae Variant Classification Sherloc (09022015). Collection method: clinical testing. Allele origin: germline.
Comment: This variant results in a copy number gain of the genomic region encompassing exons 13-15 of the PMS2 gene. The 5' boundary is likely confined to intron 12. The 3' end of this event is unknown as it extends beyond the assayed region for this gene and therefore may encompass additional genes. As the precise location of this event is unknown, it may be in tandem or it may be located elsewhere in the genome. This variant has not been reported in the literature in individuals with PMS2-related conditions. In summary, the available evidence is currently insufficient to determine the role of this variant in disease. Therefore, it has been classified as a Variant of Uncertain Significance.